The following is an entry in ClinVar:

NM_001081.4(CUBN):c.2726C>T (p.Thr909Ile)

Gene: CUBN (cubilin; minus strand). Cytogenetic location: 10p13.
Variant type: single nucleotide variant.
Coding change: c.2726C>T on transcript NM_001081.4 (MANE Select); coding-DNA position 2726, C replaced by T.
Protein change: p.Thr909Ile; replaces threonine 909 with isoleucine.
Molecular consequence: missense variant.
Genome position (GRCh38, 1-based): chr10:17,068,670, G>A on the plus strand (C>T on the coding strand, the complement: CUBN is on the minus strand). VCF-style: chr10-17068670-G-A. GRCh37 (hg19) VCF-style: chr10-17110669-G-A.
Other names: short protein forms T909I.
Identifiers: ClinVar variation 2196915 (VCV002196915.5), dbSNP rs774486522, ClinGen allele CA5424887.

ClinVar aggregate classification (germline): Conflicting classifications of pathogenicity. Review status: criteria provided, conflicting classifications (1 of 4 stars). 2 submissions from 2 submitters: Uncertain significance (1); Likely benign (1). Last evaluated 2024-04-23.

Conditions:
Inborn genetic diseases. Identifiers: MedGen C0950123, MeSH D030342.
Imerslund-Grasbeck syndrome. Also called: ENTEROCYTE COBALAMIN MALABSORPTION; ENTEROCYTE INTRINSIC FACTOR RECEPTOR, DEFECT OF; PERNICIOUS ANEMIA, JUVENILE, DUE TO SELECTIVE INTESTINAL MALABSORPTION OF VITAMIN B12, WITH PROTEINURIA; Megaloblastic anemia due to inborn errors of metabolism; Imerslund-Gräsbeck syndrome. Identifiers: Orphanet 35858, MedGen C4551825, MONDO:0009853.

Allele frequency attached by ClinVar (database versions not stated): gnomAD exomes below 0.00001; TOPMed below 0.00001; ExAC 0.00001.
gnomAD v4.1: 3 of 1,612,884 alleles (0.00019%); highest among the groups gnomAD compares: Admixed American, 0.005%; no homozygotes.

Submissions (2):

Ambry Genetics
Classification: Likely benign for Inborn genetic diseases. Last evaluated: 2024-04-23. Review status: criteria provided, single submitter. Criteria: Ambry Variant Classification Scheme 2023. Collection method: clinical testing. Allele origin: germline.

Labcorp Genetics (formerly Invitae), Labcorp
Classification: Uncertain significance for Imerslund-Grasbeck syndrome. Last evaluated: 2022-08-01. Review status: criteria provided, single submitter. Criteria: Invitae Variant Classification Sherloc (09022015). Collection method: clinical testing. Allele origin: germline.
Comment: This sequence change replaces threonine, which is neutral and polar, with isoleucine, which is neutral and non-polar, at codon 909 of the CUBN protein (p.Thr909Ile). This variant is present in population databases (rs774486522, gnomAD 0.003%). This variant has not been reported in the literature in individuals affected with CUBN-related conditions. Algorithms developed to predict the effect of missense changes on protein structure and function output the following: SIFT: "Tolerated"; PolyPhen-2: "Benign"; Align-GVGD: "Class C0". The isoleucine amino acid residue is found in multiple mammalian species, which suggests that this missense change does not adversely affect protein function. In summary, the available evidence is currently insufficient to determine the role of this variant in disease. Therefore, it has been classified as a Variant of Uncertain Significance.